The following is an entry in ClinVar:

ClinVar aggregate classification (germline): Uncertain significance (1 of 4 stars; one submission).

Conditions:
Hereditary cancer-predisposing syndrome. Also called: Hereditary Cancer Syndrome; Hereditary neoplastic syndrome; Neoplastic Syndromes, Hereditary; Tumor predisposition. Identifiers: Orphanet 140162, MedGen C0027672, MeSH D009386, MONDO:0015356.

Submission:

Ambry Genetics
Classification: Uncertain significance for Hereditary cancer-predisposing syndrome. Last evaluated: 2020-12-02. Review status: criteria provided, single submitter. Criteria: Ambry Variant Classification Scheme 2023. Collection method: clinical testing. Allele origin: germline.
Comment: The p.P517T variant (also known as c.1549C>A), located in coding exon 10 of the BRIP1 gene, results from a C to A substitution at nucleotide position 1549. The proline at codon 517 is replaced by threonine, an amino acid with highly similar properties. This amino acid position is highly conserved in available vertebrate species. In addition, the in silico prediction for this alteration is inconclusive. Since supporting evidence is limited at this time, the clinical significance of this alteration remains unclear.

NM_032043.3(BRIP1):c.1549C>A (p.Pro517Thr)

Gene: BRIP1 (BRCA1 interacting DNA helicase 1; minus strand). Cytogenetic location: 17q23.2.
Variant type: single nucleotide variant.
Coding change: c.1549C>A on transcript NM_032043.3 (MANE Select); coding-DNA position 1549, C replaced by A.
Protein change: p.Pro517Thr; replaces proline 517 with threonine.
Molecular consequence: missense variant.
Genome position (GRCh38, 1-based): chr17:61,784,349, G>T on the plus strand (C>A on the coding strand, the complement: BRIP1 is on the minus strand). VCF-style: chr17-61784349-G-T. GRCh37 (hg19) VCF-style: chr17-59861710-G-T.
Other names: short protein forms P517T.
Identifiers: ClinVar variation 1774992 (VCV001774992.2), dbSNP rs1603336970, ClinGen allele CA400481202.